The following is an entry in ClinVar:

NM_001382567.1(STIM1):c.1700A>G (p.Lys567Arg)

Gene: STIM1 (stromal interaction molecule 1; plus strand). Cytogenetic location: 11p15.4.
Variant type: single nucleotide variant.
Coding change: c.1700A>G on transcript NM_001382567.1 (MANE Select); coding-DNA position 1700, A replaced by G.
Protein change: p.Lys567Arg; replaces lysine 567 with arginine.
Molecular consequence: missense variant. On other transcripts: 3 prime UTR variant (4), non-coding transcript variant (3).
Genome position (GRCh38, 1-based): chr11:4,091,347, A>G. VCF-style: chr11-4091347-A-G. GRCh37 (hg19) VCF-style: chr11-4112577-A-G.
Other names: c.1925A>G, p.Lys642Arg (NM_001277961.3); c.*21A>G (NM_001277962.2, NM_001382578.1, NM_001382579.1 and 1 more transcripts); c.1703A>G, p.Lys568Arg (NM_001382566.1); c.1628A>G, p.Lys543Arg (NM_001382568.1); c.1472A>G, p.Lys491Arg (NM_001382569.1); c.1379A>G, p.Lys460Arg (NM_001382570.1); c.1127A>G, p.Lys376Arg (NM_001382571.1); c.1385A>G, p.Lys462Arg (NM_001382575.1, NM_001382576.1, NM_001382577.1); and 2 more; short protein forms K536R, K642R, K373R, K376R, K460R, K462R, K491R, K543R.
Identifiers: ClinVar variation 859464 (VCV000859464.11), dbSNP rs140122024, ClinGen allele CA5830592.

ClinVar aggregate classification (germline): Conflicting classifications of pathogenicity. Review status: criteria provided, conflicting classifications (1 of 4 stars). 2 submissions from 2 submitters: Uncertain significance (1); Benign (1). Last evaluated 2026-04-27.

Conditions:
STIM1-related disorder. Also called: STIM1-related condition.
Combined immunodeficiency due to STIM1 deficiency. Also called: IMMUNODEFICIENCY 10; STIM1 DEFICIENCY. Identifiers: Orphanet 169090, Orphanet 317430, MedGen C2748557, MONDO:0013008, OMIM 612783.
Stormorken syndrome (STRMK). Also called: THROMBOCYTOPATHY, ASPLENIA, AND MIOSIS. Identifiers: Orphanet 3204, MedGen C1861451, MONDO:0008497, OMIM 185070.
Myopathy with tubular aggregates (TAM). Also called: Tubular Aggregate Myopathy. Identifiers: Orphanet 2593, MedGen C0410207, MONDO:0008051.

Allele frequency attached by ClinVar (database versions not stated): gnomAD exomes 0.00004 and 0.00009; gnomAD 0.00005 and 0.00006; TOPMed 0.00006; ExAC 0.00007; ESP Exome Variant Server 0.00015.
gnomAD v4.1: 150 of 1,614,008 alleles (0.0093%); highest among the groups gnomAD compares: Non-Finnish European, 0.012%; no homozygotes.

Submissions (2):

PreventionGenetics, part of Exact Sciences
Classification: Uncertain significance for STIM1-related condition. Last evaluated: 2026-04-27. Review status: criteria provided, single submitter. Criteria: ACMG Guidelines, 2015. Collection method: clinical testing. Allele origin: germline.
Comment: The STIM1 c.1607A>G variant is predicted to result in the amino acid substitution p.Lys536Arg. To our knowledge, this variant has not been reported in the literature. This variant is reported in 0.0093% of alleles in individuals of European (Non-Finnish) descent in gnomAD. At this time, the clinical significance of this variant is uncertain due to the absence of conclusive functional and genetic evidence.

Labcorp Genetics (formerly Invitae), Labcorp
Classification: Benign for Myopathy with tubular aggregates; Combined immunodeficiency due to STIM1 deficiency; Stormorken syndrome. Last evaluated: 2025-12-17. Review status: criteria provided, single submitter. Criteria: Invitae Variant Classification Sherloc (09022015). Collection method: clinical testing. Allele origin: germline.